The following is an entry in ClinVar:

NM_000059.4(BRCA2):c.-40+17G>C

Genes: BRCA2 (BRCA2 DNA repair associated; plus strand), LOC106721785 (BRCA2 promoter/silencer region; plus strand). Cytogenetic location: 13q13.1.
Variant type: single nucleotide variant.
Coding change: c.-40+17G>C on transcript NM_000059.4 (MANE Select); 17 bases into the intron after 40 bases upstream of the start codon, G replaced by C.
Molecular consequence: intron variant.
Genome position (GRCh38, 1-based): chr13:32,315,684, G>C. VCF-style: chr13-32315684-G-C. GRCh37 (hg19) VCF-style: chr13-32889821-G-C.
Other names: c.-40+17G>C (NM_001406720.1, NM_001406719.1, NM_001406721.1); c.-303+17G>C (NM_001406722.1).
Identifiers: ClinVar variation 2731294 (VCV002731294.3), dbSNP rs2138695806, ClinGen allele CA2697551709.

ClinVar aggregate classification (germline): Uncertain significance (1 of 4 stars; one submission).

Conditions:
Hereditary breast ovarian cancer syndrome. Also called: Hereditary breast and ovarian cancer syndrome (HBOC); Hereditary breast and/or ovarian cancer syndrome; Hereditary breast and ovarian cancer; Hereditary breast and ovarian cancer syndrome; Breast and ovarian cancer; BRCA1- and BRCA2-Associated Hereditary Breast and Ovarian Cancer. Identifiers: Orphanet 145, MedGen C0677776, MeSH D061325, MONDO:0003582. Disease mechanism: loss of function.

Submission:

Labcorp Genetics (formerly Invitae), Labcorp
Classification: Uncertain significance for Hereditary breast ovarian cancer syndrome. Last evaluated: 2023-10-03. Review status: criteria provided, single submitter. Criteria: Invitae Variant Classification Sherloc (09022015). Collection method: clinical testing. Allele origin: germline.
Comment: This variant occurs in a non-coding region of the BRCA2 gene. It does not change the encoded amino acid sequence of the BRCA2 protein. This variant is not present in population databases (gnomAD no frequency). This variant has not been reported in the literature in individuals affected with BRCA2-related conditions. Algorithms developed to predict the effect of sequence changes on RNA splicing suggest that this variant is not likely to affect RNA splicing. In summary, the available evidence is currently insufficient to determine the role of this variant in disease. Therefore, it has been classified as a Variant of Uncertain Significance.